The following is an entry in ClinVar:

ClinVar aggregate classification (germline): Conflicting classifications of pathogenicity. Review status: criteria provided, conflicting classifications (1 of 4 stars). 4 submissions from 4 submitters: Uncertain significance (3); Likely benign (1). Last evaluated 2024-12-15.

Conditions:
Atransferrinemia. Also called: Familial hypotransferrinemia. Identifiers: Orphanet 1195, MedGen C0521802, MONDO:0008846, OMIM 209300, HP:0012239.

Allele frequency attached by ClinVar (database versions not stated): ExAC 0.00082; TOPMed 0.00093; 1000 Genomes Project 30x 0.00062; gnomAD exomes 0.00084; ESP Exome Variant Server 0.00100; 1000 Genomes Project 0.00060; gnomAD 0.00093 and 0.00096.
gnomAD v4.1: 1,693 of 1,614,156 alleles (0.1%); highest among the groups gnomAD compares: Non-Finnish European, 0.13%; 2 homozygotes.

Submissions (4):

Labcorp Genetics (formerly Invitae), Labcorp
Classification: Uncertain significance. Last evaluated: 2024-12-15. Review status: criteria provided, single submitter. Criteria: Invitae Variant Classification Sherloc (09022015). Collection method: clinical testing. Allele origin: germline.
Comment: This sequence change replaces arginine, which is basic and polar, with tryptophan, which is neutral and slightly polar, at codon 343 of the TF protein (p.Arg343Trp). This variant is present in population databases (rs150854910, gnomAD 0.2%), and has an allele count higher than expected for a pathogenic variant. This variant has not been reported in the literature in individuals affected with TF-related conditions. ClinVar contains an entry for this variant (Variation ID: 900555). Invitae Evidence Modeling of protein sequence and biophysical properties (such as structural, functional, and spatial information, amino acid conservation, physicochemical variation, residue mobility, and thermodynamic stability) indicates that this missense variant is expected to disrupt TF protein function with a positive predictive value of 80%. In summary, the available evidence is currently insufficient to determine the role of this variant in disease. Therefore, it has been classified as a Variant of Uncertain Significance.

Women's Health and Genetics/Laboratory Corporation of America, LabCorp
Classification: Likely benign. Last evaluated: 2023-12-14. Review status: criteria provided, single submitter. Criteria: LabCorp Variant Classification Summary - May 2015. Collection method: clinical testing. Allele origin: germline.
Comment: Variant summary: TF c.1027C>T (p.Arg343Trp) results in a non-conservative amino acid change located in the Transferrin-like domain (IPR001156) of the encoded protein sequence. Three of five in-silico tools predict a damaging effect of the variant on protein function. The variant allele was found at a frequency of 0.001 in 1614156 control chromosomes, predominantly at a frequency of 0.0013 within the Non-Finnish European subpopulation in the gnomAD database, including 2 homozygotes. The observed variant frequency within Non-Finnish European control individuals in the gnomAD database is higher than the estimated maximal expected allele frequency for a pathogenic variant in TF causing Atransferrinemia phenotype (0.0011), strongly suggesting that the variant is a benign polymorphism found primarily in populations of Non-Finnish European origin. To our knowledge, no occurrence of c.1027C>T in individuals affected with Atransferrinemia and no experimental evidence demonstrating its impact on protein function have been reported. Two submitters have cited clinical-significance assessments for this variant to ClinVar after 2014. All submitters classified the variant as uncertain significance. Based on the evidence outlined above, the variant was classified as likely benign.

Fulgent Genetics
Classification: Uncertain significance for Atransferrinemia. Last evaluated: 2022-03-24. Review status: criteria provided, single submitter. Criteria: ACMG Guidelines, 2015. Collection method: clinical testing. Allele origin: unknown.

Illumina Laboratory Services, Illumina
Classification: Uncertain significance for Atransferrinemia. Last evaluated: 2017-04-27. Review status: criteria provided, single submitter. Criteria: ICSL Variant Classification Criteria 13 December 2019. Collection method: clinical testing. Allele origin: germline.

NM_001063.4(TF):c.1027C>T (p.Arg343Trp)

Gene: TF (transferrin; plus strand). Cytogenetic location: 3q22.1.
Variant type: single nucleotide variant.
Coding change: c.1027C>T on transcript NM_001063.4 (MANE Select); coding-DNA position 1027, C replaced by T.
Protein change: p.Arg343Trp; replaces arginine 343 with tryptophan.
Molecular consequence: missense variant.
Genome position (GRCh38, 1-based): chr3:133,757,925, C>T. VCF-style: chr3-133757925-C-T. GRCh37 (hg19) VCF-style: chr3-133476769-C-T.
Other names: c.895C>T, p.Arg299Trp (NM_001354703.2); c.646C>T, p.Arg216Trp (NM_001354704.2); short protein forms R216W, R299W, R343W.
Identifiers: ClinVar variation 900555 (VCV000900555.7), dbSNP rs150854910, ClinGen allele CA2625156.
Genomic context (GRCh38, chr3:133,757,925, plus strand): 5'-AAAGTCCCCCCCAGGATGGATGCCAAGATGTACCTGGGCTATGAGTATGTCACTGCCATC[C>T]GGAATCTACGGGAAGGCACATGTGAGTACCTGGGAAGAACCAGGTGACCACAAGCACTTG-3'
Protein context (NP_001054.2, residues 333-353): YLGYEYVTAI[Arg343Trp]NLREGTCPEA